The following is an entry in ClinVar:

NM_006514.4(SCN10A):c.2231T>A (p.Leu744Gln)

Gene: SCN10A (sodium voltage-gated channel alpha subunit 10; minus strand). Cytogenetic location: 3p22.2.
Variant type: single nucleotide variant.
Coding change: c.2231T>A on transcript NM_006514.4 (MANE Select); coding-DNA position 2231, T replaced by A.
Protein change: p.Leu744Gln; replaces leucine 744 with glutamine.
Molecular consequence: missense variant.
Genome position (GRCh38, 1-based): chr3:38,739,564, A>T on the plus strand (T>A on the coding strand, the complement: SCN10A is on the minus strand). VCF-style: chr3-38739564-A-T. GRCh37 (hg19) VCF-style: chr3-38781055-A-T.
Other names: c.2231T>A, p.Leu744Gln (NM_001293306.2); c.1937T>A, p.Leu646Gln (NM_001293307.2); short protein forms L646Q, L744Q.
Identifiers: ClinVar variation 4688148 (VCV004688148.1).

ClinVar aggregate classification (germline): Likely pathogenic (1 of 4 stars; one submission).

Conditions:
Episodic pain syndrome, familial, 2 (FEPS2). Identifiers: Orphanet 306577, MedGen C3809893, MONDO:0014246, OMIM 615551.

Submission:

MVZ Medizinische Genetik Mainz
Classification: Likely pathogenic for Episodic pain syndrome, familial, 2. Last evaluated: 2025-12-19. Review status: criteria provided, single submitter. Criteria: UK Practice Guidelines For Variant Classification V4 01 2020. Collection method: clinical testing. Allele origin: germline. Inheritance: Autosomal dominant inheritance. Affected: yes. Observed: 1 variant allele.
Comment: ACMG Criteria: PP3_STR,PM2_SUP,PP4